The following is an entry in ClinVar:

ClinVar aggregate classification (germline): Likely benign. Review status: criteria provided, multiple submitters, no conflicts (2 of 4 stars). 3 submissions from 3 submitters: Likely benign (3). Last evaluated 2025-08-31.

Conditions:
Weaver syndrome (WVS). Also called: Weaver Smith syndrome; Overgrowth syndrome with accelerated skeletal maturation, unusual facies, and camptodactyly. Identifiers: Orphanet 3447, MedGen C0265210, MONDO:0010193, OMIM 277590.

Allele frequency attached by ClinVar (database versions not stated): gnomAD 0.00007; gnomAD exomes 0.00007 and 0.00012; ExAC 0.00012; TOPMed 0.00014; ESP Exome Variant Server 0.00023; 1000 Genomes Project 0.00040; 1000 Genomes Project 30x 0.00062.
gnomAD v4.1: 121 of 1,608,580 alleles (0.0075%); highest among the groups gnomAD compares: Admixed American, 0.03%; 1 homozygote.

Submissions (3):

Labcorp Genetics (formerly Invitae), Labcorp
Classification: Likely benign for Weaver syndrome. Last evaluated: 2025-08-31. Review status: criteria provided, single submitter. Criteria: Invitae Variant Classification Sherloc (09022015). Collection method: clinical testing. Allele origin: germline.

CeGaT Center for Human Genetics Tuebingen
Classification: Likely benign. Last evaluated: 2025-05-01. Review status: criteria provided, single submitter. Criteria: CeGaT Center For Human Genetics Tuebingen Variant Classification Criteria Version 2. Collection method: clinical testing. Allele origin: germline. Affected: yes. Observed: 1 variant allele.
Comment: EZH2: BP4, BP7

Blueprint Genetics
Classification: Likely benign. Last evaluated: 2024-05-27. Review status: criteria provided, single submitter. Criteria: ACMG Guidelines, 2015. Collection method: clinical testing. Allele origin: germline.

NM_004456.5(EZH2):c.474C>T (p.His158=)

Gene: EZH2 (enhancer of zeste 2 polycomb repressive complex 2 subunit; minus strand). Cytogenetic location: 7q36.1.
Variant type: single nucleotide variant.
Coding change: c.474C>T on transcript NM_004456.5 (MANE Select); coding-DNA position 474, C replaced by T.
Protein change: p.His158=; no amino-acid change (histidine 158 retained).
Molecular consequence: synonymous variant.
Genome position (GRCh38, 1-based): chr7:148,829,738, G>A on the plus strand (C>T on the coding strand, the complement: EZH2 is on the minus strand). VCF-style: chr7-148829738-G-A. GRCh37 (hg19) VCF-style: chr7-148526830-G-A.
Other names: c.474C>T, p.His158= (NM_001203247.2); c.447C>T, p.His149= (NM_001203248.2, NM_001203249.2); c.357C>T, p.His119= (NM_152998.3).
Identifiers: ClinVar variation 416829 (VCV000416829.23), dbSNP rs147319809, ClinGen allele CA4548131.